The following is an entry in ClinVar:

ClinVar aggregate classification (germline): Uncertain significance (1 of 4 stars; one submission).

Allele frequency attached by ClinVar (database versions not stated): gnomAD exomes 0.00001 and 0.00002; TOPMed 0.00001; ExAC 0.00002; gnomAD 0.00002.
gnomAD v4.1: 27 of 1,614,120 alleles (0.0017%); highest among the groups gnomAD compares: Non-Finnish European, 0.0022%; no homozygotes.

Submission:

Labcorp Genetics (formerly Invitae), Labcorp
Classification: Uncertain significance. Last evaluated: 2022-08-10. Review status: criteria provided, single submitter. Criteria: Invitae Variant Classification Sherloc (09022015). Collection method: clinical testing. Allele origin: germline.
Comment: In summary, the available evidence is currently insufficient to determine the role of this variant in disease. Therefore, it has been classified as a Variant of Uncertain Significance. Algorithms developed to predict the effect of missense changes on protein structure and function (SIFT, PolyPhen-2, Align-GVGD) all suggest that this variant is likely to be disruptive. ClinVar contains an entry for this variant (Variation ID: 1403775). This variant has not been reported in the literature in individuals affected with TUB-related conditions. This variant is present in population databases (rs775383075, gnomAD 0.003%). This sequence change replaces alanine, which is neutral and non-polar, with threonine, which is neutral and polar, at codon 546 of the TUB protein (p.Ala546Thr).

NM_177972.3(TUB):c.1471G>A (p.Ala491Thr)

Genes: TUB (TUB bipartite transcription factor; plus strand), RIC3 (RIC3 acetylcholine receptor chaperone; minus strand). Cytogenetic location: 11p15.4.
Variant type: single nucleotide variant.
Coding change: c.1471G>A on transcript NM_177972.3 (MANE Select); coding-DNA position 1471, G replaced by A.
Protein change: p.Ala491Thr; replaces alanine 491 with threonine.
Molecular consequence: missense variant.
Genome position (GRCh38, 1-based): chr11:8,101,569, G>A. VCF-style: chr11-8101569-G-A. GRCh37 (hg19) VCF-style: chr11-8123116-G-A.
Other names: c.1636G>A, p.Ala546Thr (NM_003320.5); short protein forms A491T, A546T.
Identifiers: ClinVar variation 1403775 (VCV001403775.6), dbSNP rs775383075, ClinGen allele CA5871527.
Genomic context (GRCh38, chr11:8,101,569, plus strand): 5'-GGCCGGGTAGCAGAGGATGTGTTCACCATGGATTACAACTACCCGCTGTGTGCACTGCAG[G>A]CCTTTGCCATTGCCCTGTCCAGCTTCGACAGCAAGCTGGCGTGCGAGTAGAGGCCTCTTC-3'
Protein context (NP_813977.1, residues 481-501): DYNYPLCALQ[Ala491Thr]FAIALSSFDS